The following is an entry in ClinVar:

ClinVar aggregate classification (germline): Uncertain significance (1 of 4 stars; one submission).

Conditions:
Trichorhinophalangeal dysplasia type I (TRPS1). Also called: TRICHORHINOPHALANGEAL SYNDROME, TYPE I; TRPS I. Identifiers: Orphanet 77258, MedGen C0432233, MONDO:0008596, OMIM 190350.
Trichorhinophalangeal syndrome, type III (TRPS3). Also called: SUGIO-KAJII SYNDROME. Identifiers: Orphanet 77258, MedGen C1860823, OMIM 190351, MONDO:0008597.

Submission:

Labcorp Genetics (formerly Invitae), Labcorp
Classification: Uncertain significance for Trichorhinophalangeal syndrome, type III; Trichorhinophalangeal dysplasia type I. Last evaluated: 2025-10-13. Review status: criteria provided, single submitter. Criteria: Invitae Variant Classification Sherloc (09022015). Collection method: clinical testing. Allele origin: germline.
Comment: This sequence change replaces glutamine, which is neutral and polar, with lysine, which is basic and polar, at codon 471 of the TRPS1 protein (p.Gln471Lys). This variant is not present in population databases (gnomAD no frequency). This variant has not been reported in the literature in individuals affected with TRPS1-related conditions. ClinVar contains an entry for this variant (Variation ID: 3751465). Invitae Evidence Modeling of protein sequence and biophysical properties (such as structural, functional, and spatial information, amino acid conservation, physicochemical variation, residue mobility, and thermodynamic stability) indicates that this missense variant is not expected to disrupt TRPS1 protein function with a negative predictive value of 80%. In summary, the available evidence is currently insufficient to determine the role of this variant in disease. Therefore, it has been classified as a Variant of Uncertain Significance.

NM_014112.5(TRPS1):c.1411C>A (p.Gln471Lys)

Gene: TRPS1 (transcriptional repressor GATA binding 1; minus strand). Cytogenetic location: 8q23.3.
Variant type: single nucleotide variant.
Coding change: c.1411C>A on transcript NM_014112.5 (MANE Select); coding-DNA position 1411, C replaced by A.
Protein change: p.Gln471Lys; replaces glutamine 471 with lysine.
Molecular consequence: missense variant.
Genome position (GRCh38, 1-based): chr8:115,604,558, G>T on the plus strand (C>A on the coding strand, the complement: TRPS1 is on the minus strand). VCF-style: chr8-115604558-G-T. GRCh37 (hg19) VCF-style: chr8-116616785-G-T.
Other names: c.1384C>A, p.Gln462Lys (NM_001282902.3); c.1390C>A, p.Gln464Lys (NM_001282903.3); c.1372C>A, p.Gln458Lys (NM_001330599.2); short protein forms Q458K, Q462K, Q464K, Q471K.
Identifiers: ClinVar variation 3751465 (VCV003751465.2).